The following is an entry in ClinVar:

NM_000417.3(IL2RA):c.391T>C (p.Trp131Arg)

Gene: IL2RA (interleukin 2 receptor subunit alpha; minus strand). Cytogenetic location: 10p15.1.
Variant type: single nucleotide variant.
Coding change: c.391T>C on transcript NM_000417.3 (MANE Select); coding-DNA position 391, T replaced by C.
Protein change: p.Trp131Arg; replaces tryptophan 131 with arginine.
Molecular consequence: missense variant. On other transcripts: intron variant (2).
Genome position (GRCh38, 1-based): chr10:6,021,670, A>G on the plus strand (T>C on the coding strand, the complement: IL2RA is on the minus strand). VCF-style: chr10-6021670-A-G. GRCh37 (hg19) VCF-style: chr10-6063633-A-G.
Other names: c.368-2171T>C (NM_001308243.2); c.368-1729T>C (NM_001308242.2); short protein forms W131R.
Identifiers: ClinVar variation 4717934 (VCV004717934.1).

ClinVar aggregate classification (germline): Uncertain significance (1 of 4 stars; one submission).

Conditions:
Immunodeficiency due to CD25 deficiency. Also called: IL2RA DEFICIENCY; IMMUNODEFICIENCY 41 WITH LYMPHOPROLIFERATION AND AUTOIMMUNITY; CD25 DEFICIENCY. Identifiers: Orphanet 169100, MedGen C1853392, MONDO:0011664, OMIM 606367.

Submission:

Labcorp Genetics (formerly Invitae), Labcorp
Classification: Uncertain significance for Immunodeficiency due to CD25 deficiency. Last evaluated: 2025-07-18. Review status: criteria provided, single submitter. Criteria: Invitae Variant Classification Sherloc (09022015). Collection method: clinical testing. Allele origin: germline.
Comment: This sequence change replaces tryptophan, which is neutral and slightly polar, with arginine, which is basic and polar, at codon 131 of the IL2RA protein (p.Trp131Arg). This variant is present in population databases (rs779802160, gnomAD 0.02%). This variant has not been reported in the literature in individuals affected with IL2RA-related conditions. Invitae Evidence Modeling of protein sequence and biophysical properties (such as structural, functional, and spatial information, amino acid conservation, physicochemical variation, residue mobility, and thermodynamic stability) has been performed for this missense variant. However, the output from this modeling did not meet the statistical confidence thresholds required to predict the impact of this variant on IL2RA protein function. In summary, the available evidence is currently insufficient to determine the role of this variant in disease. Therefore, it has been classified as a Variant of Uncertain Significance.